The following is an entry in ClinVar:

NM_001457.4(FLNB):c.7216T>A (p.Phe2406Ile)

Genes: FLNB (filamin B; plus strand), FLNB-AS1 (FLNB antisense RNA 1; minus strand). Cytogenetic location: 3p14.3.
Variant type: single nucleotide variant.
Coding change: c.7216T>A on transcript NM_001457.4 (MANE Select); coding-DNA position 7216, T replaced by A.
Protein change: p.Phe2406Ile; replaces phenylalanine 2406 with isoleucine.
Molecular consequence: missense variant.
Genome position (GRCh38, 1-based): chr3:58,168,457, T>A. VCF-style: chr3-58168457-T-A. GRCh37 (hg19) VCF-style: chr3-58154184-T-A.
Other names: c.7309T>A, p.Phe2437Ile (NM_001164317.2); c.7183T>A, p.Phe2395Ile (NM_001164318.2); c.7144T>A, p.Phe2382Ile (NM_001164319.2); short protein forms F2406I, F2382I, F2437I, F2395I.
Identifiers: ClinVar variation 2859195 (VCV002859195.3), dbSNP rs2471271905, ClinGen allele CA353334631.

ClinVar aggregate classification (germline): Uncertain significance (1 of 4 stars; one submission).

Submission:

Labcorp Genetics (formerly Invitae), Labcorp
Classification: Uncertain significance. Last evaluated: 2023-06-04. Review status: criteria provided, single submitter. Criteria: Invitae Variant Classification Sherloc (09022015). Collection method: clinical testing. Allele origin: germline.
Comment: Advanced modeling of protein sequence and biophysical properties (such as structural, functional, and spatial information, amino acid conservation, physicochemical variation, residue mobility, and thermodynamic stability) performed at Invitae indicates that this missense variant is not expected to disrupt FLNB protein function. In summary, the available evidence is currently insufficient to determine the role of this variant in disease. Therefore, it has been classified as a Variant of Uncertain Significance. This variant has not been reported in the literature in individuals affected with FLNB-related conditions. This variant is not present in population databases (gnomAD no frequency). This sequence change replaces phenylalanine, which is neutral and non-polar, with isoleucine, which is neutral and non-polar, at codon 2406 of the FLNB protein (p.Phe2406Ile).